The following is an entry in ClinVar:

ClinVar aggregate classification (germline): Uncertain significance (3 of 4 stars; one submission).

Conditions:
Open-angle glaucoma. Identifiers: MedGen C0017612, MONDO:0005338, HP:0012108.

Allele frequency attached by ClinVar (database versions not stated): ExAC 0.00002.
gnomAD v4.1: 1 of 1,614,162 alleles (0.000062%); highest among the groups gnomAD compares: East Asian, 0.0022%; no homozygotes.

Submission:

ClinGen Glaucoma Variant Curation Expert Panel
Classification: Uncertain significance for Open-angle glaucoma. Last evaluated: 2025-10-08. Review status: reviewed by expert panel. Criteria: ClinGen Glaucoma ACMG Specifications V2.0.0 Approved. Collection method: curation. Allele origin: germline. Inheritance: Autosomal dominant inheritance.
Comment: The c.1024A>G variant in MYOC is a missense variant predicted to cause substitution of Arginine by Glycine at amino acid 342 (p.Arg342Gly). The highest minor allele frequency of this variant was in the East Asian genetic ancestry group of gnomAD (v4.1.0) = 0.00002228 (1 allele out of 44,886), which met the ≤ 0.0001 threshold set for PM2_Supporting in a genetic ancestry group of at least 10,000 alleles. The REVEL score = 0.590, which was neither above nor below the thresholds for PP3 (≥ 0.644) or BP4 (≤ 0.290), predicting a damaging or benign impact on MYOC function. There was no functional evidence predicting a damaging or benign impact of this variant on MYOC function. Only 1 proband with primary open angle glaucoma had been reported (PMID: 33793440), not meeting the ≥ 2 probands threshold required to meet PS4_Supporting. In summary, this variant met the criteria to receive a score of 1 and to be classified as a variant of uncertain significance (uncertain significance classification range -1 to 5, adapted from PMID: 32720330) for primary open angle glaucoma based on the ACMG/AMP criteria met, as specified by the ClinGen Glaucoma VCEP (v2.0.0, 5 Dec 2024): PM2_Supporting

NM_000261.2(MYOC):c.1024A>G (p.Arg342Gly)

Gene: MYOC (myocilin; minus strand). Cytogenetic location: 1q24.3.
Variant type: single nucleotide variant.
Coding change: c.1024A>G on transcript NM_000261.2 (MANE Select); coding-DNA position 1024, A replaced by G.
Protein change: p.Arg342Gly; replaces arginine 342 with glycine.
Molecular consequence: missense variant.
Genome position (GRCh38, 1-based): chr1:171,636,416, T>C on the plus strand (A>G on the coding strand, the complement: MYOC is on the minus strand). VCF-style: chr1-171636416-T-C. GRCh37 (hg19) VCF-style: chr1-171605556-T-C.
Other names: NM_000261.2:c.1024A>G; short protein forms R342G.
Identifiers: ClinVar variation 2442276 (VCV002442276.2), dbSNP rs764942545, ClinGen allele CA1244093.